The following is an entry in ClinVar:

ClinVar aggregate classification (germline): Pathogenic/Likely pathogenic. Review status: criteria provided, multiple submitters, no conflicts (2 of 4 stars). 9 submissions from 9 submitters: Pathogenic (4); Likely pathogenic (5). Last evaluated 2025-04-11.

Conditions:
ETV6-related disorders.
Inborn genetic diseases. Identifiers: MedGen C0950123, MeSH D030342.
Thrombocytopenia 5 (THC5). Also called: THROMBOCYTOPENIA 5 WITH INCREASED SUSCEPTIBILITY TO MALIGNANCY; THROMBOCYTOPENIA, AUTOSOMAL DOMINANT, 5. Identifiers: MedGen C4015537, MONDO:0014536, OMIM 616216.

Allele frequency attached by ClinVar (database versions not stated): gnomAD exomes below 0.00001.
gnomAD v4.1: 1 of 1,614,030 alleles (0.000062%); highest among the groups gnomAD compares: Non-Finnish European, 0.000085%; no homozygotes.

Submissions (9):

Labcorp Genetics (formerly Invitae), Labcorp
Classification: Likely pathogenic. Last evaluated: 2025-04-11. Review status: criteria provided, single submitter. Criteria: Invitae Variant Classification Sherloc (09022015). Collection method: clinical testing. Allele origin: germline.
Comment: This sequence change replaces arginine, which is basic and polar, with histidine, which is basic and polar, at codon 399 of the ETV6 protein (p.Arg399His). This variant is not present in population databases (gnomAD no frequency). This missense change has been observed in individual(s) with thrombocytopenia and/or early onset leukemia (PMID: 32693409; internal data). It has also been observed to segregate with disease in related individuals. ClinVar contains an entry for this variant (Variation ID: 1175817). Invitae Evidence Modeling of protein sequence and biophysical properties (such as structural, functional, and spatial information, amino acid conservation, physicochemical variation, residue mobility, and thermodynamic stability) indicates that this missense variant is expected to disrupt ETV6 protein function with a positive predictive value of 80%. Experimental studies have shown that this missense change affects ETV6 function (PMID: 32693409, 35586967). This variant disrupts the p.Arg399 amino acid residue in ETV6. Other variant(s) that disrupt this residue have been determined to be pathogenic (PMID: 25581430). This suggests that this residue is clinically significant, and that variants that disrupt this residue are likely to be disease-causing. In summary, the currently available evidence indicates that the variant is pathogenic, but additional data are needed to prove that conclusively. Therefore, this variant has been classified as Likely Pathogenic.

Ambry Genetics
Classification: Likely pathogenic for Inborn genetic diseases. Last evaluated: 2025-01-30. Review status: criteria provided, single submitter. Criteria: Ambry Variant Classification Scheme 2023. Collection method: clinical testing. Allele origin: germline.
Comment: The p.R399H variant (also known as c.1196G>A), located in coding exon 7 of the ETV6 gene, results from a G to A substitution at nucleotide position 1196. The arginine at codon 399 is replaced by histidine, an amino acid with highly similar properties. This variant was reported in individual(s) with features consistent with ETV6-related thrombocytopenia (Nishii R et al. Blood, 2021 Jan;137:364-373; Ambry internal data). In multiple assays testing ETV6 function, this variant showed functionally abnormal results (Nishii R et al. Blood, 2021 Jan;137:364-373; Faleschini M et al. Haematologica, 2022 Sep;107:2249-2254). This amino acid position is highly conserved in available vertebrate species. In addition, this alteration is predicted to be deleterious by in silico analysis. This variant is considered to be rare based on population cohorts in the Genome Aggregation Database (gnomAD). This missense alteration is located in a region that has a low rate of benign missense variation (Lek M et al. Nature. 2016 Aug 18;536(7616):285-91; DECIPHER: Database of Chromosomal Imbalance and Phenotype in Humans using Ensembl Resources. Firth H.V. et al. 2009. Am.J.Hum.Genet. 84, 524-533 (DOI)). Based on the majority of available evidence to date, this variant is likely to be pathogenic.

Mayo Clinic Laboratories, Mayo Clinic
Classification: Pathogenic. Last evaluated: 2025-01-09. Review status: criteria provided, single submitter. Criteria: ACMG Guidelines, 2015. Collection method: clinical testing. Allele origin: germline. Observed: 1 variant allele.
Comment: PP3_moderate, PM1, PM2_supporting, PM5, PS3, PS4_moderate

3billion
Classification: Pathogenic for Thrombocytopenia 5. Last evaluated: 2024-08-12. Review status: criteria provided, single submitter. Criteria: ACMG Guidelines, 2015. Collection method: clinical testing. Allele origin: germline. Affected: yes.
Comment: The variant is observed at an extremely low frequency in the gnomAD v4.0.0 dataset (total allele frequency: <0.001%). Predicted Consequence/Location: Missense variant Functional studies provide moderate evidence of the variant having a damaging effect on the gene or gene product (PMID: 35586967). In silico tool predictions suggest damaging effect of the variant on gene or gene product [REVEL: 0.80 (>=0.6, sensitivity 0.68 and specificity 0.92); 3Cnet: 0.87 (>=0.6, sensitivity 0.72 and precision 0.9)]. The same nucleotide change resulting in the same amino acid change has been previously reported as pathogenic/likely pathogenic with strong evidence (ClinVar ID: VCV001175817 /PMID: 35586967). Different missense changes at the same codon (p.Arg399Cys, p.Arg399Gly) have been reported as pathogenic/likely pathogenic with strong evidence (ClinVar ID: VCV000162220 /PMID: 25581430, 31289210 /3billion dataset). Therefore, this variant is classified as Pathogenic according to the recommendation of ACMG/AMP guideline.

GeneDx
Classification: Pathogenic. Last evaluated: 2024-01-11. Review status: criteria provided, single submitter. Criteria: GeneDx Variant Classification Process June 2021. Collection method: clinical testing. Allele origin: germline. Affected: yes.
Comment: Not observed in large population cohorts (gnomAD); Identified in patients with acute lymphoblastic leukemia (ALL) and a family member with acute myeloid leukemia (AML) in published literature and referred for genetic testing at GeneDx (PMID: 32693409); In silico analysis supports that this missense variant has a deleterious effect on protein structure/function; This variant is associated with the following publications: (PMID: 12406085, 30823914, 35586967, 32693409, 28555414, 28637624)

Blueprint Genetics
Classification: Pathogenic for ETV6-related disorders. Last evaluated: 2022-11-09. Review status: criteria provided, single submitter. Criteria: ACMG Guidelines, 2015. Collection method: clinical testing. Allele origin: germline. Affected: yes. Observed: 2 variant alleles.

St. Jude Molecular Pathology, St. Jude Children's Research Hospital
Classification: Likely pathogenic for Thrombocytopenia 5. Last evaluated: 2022-01-13. Review status: criteria provided, single submitter. Criteria: St. Jude Assertion Criteria 2020. Collection method: clinical testing. Allele origin: germline.
Comment: The ETV6 c.1196G>A (p.Arg399His) missense change is absent in gnomAD v2.1.1 (PM2_supporting). Six of seven in silico tools predict a deleterious effect of this variant on protein function (PP3). Functional studies have demonstrated loss-of-transcription-repressor activity by luciferase reporter assays in HEK293T cells, evidence of significant decrease on the ability to bind to an ETS DNA consensus sequence, and loss of nuclear localization (PS3; PMID: 32693409). This variant was reported in one individual with B-ALL, and in one family with thrombocytopenia and leukemias (PS4_moderate, PP4; PMID: 32693409). Another missense variant at the same amino acid residue have been reported in individuals with hereditary thrombocytopenia and is known to be pathogenic (PM5_supporting; PMID: 25581430, 32693409). In summary, this variant meets criteria to be classified as likely pathogenic based on the ACMG/AMP criteria: PS3, PS4_supporting, PM5_supporting, PM2_supporting, PP4, PP3.

CeGaT Center for Human Genetics Tuebingen
Classification: Likely pathogenic. Last evaluated: 2021-06-01. Review status: criteria provided, single submitter. Criteria: CeGaT Center For Human Genetics Tuebingen Variant Classification Criteria Version 2. Collection method: clinical testing. Allele origin: germline. Affected: yes. Observed: 1 variant allele.

Genetic Services Laboratory, University of Chicago
Classification: Likely pathogenic. Last evaluated: 2020-11-11. Review status: criteria provided, single submitter. Criteria: ACMG Guidelines, 2015. Collection method: clinical testing. Allele origin: germline. Affected: yes.
Comment: The p.Arg399His change affects a highly conserved amino acid residue located in an ETS DNA-binding domain of the ETV6 protein that is known to be functional. The p.Arg399His substitution appears to be deleterious using several in-silico pathogenicity prediction tools (SIFT, PolyPhen2, Align GVGD, REVEL). This particular amino acid change does not appear to have been described in the literature in other patients with ETV6 related disorders, however, different pathogenic sequence changes affecting the same amino acid residue (p.Arg399) have been described in patients with ETV6-related disorders. The p.Arg399Cys variant has been reported to segregate in a family with thrombocytopenia and hematologic malignancy (PMID: 25581430). Functional studies were suggestive of its impact on DNA binding, subcellular localization, decreased transcriptional repression, indicating dominant-negative effect and impairment of hematopoiesis. The p.Arg399Gly variant was reported in a patient with pre-B-cell ALL and secondary malignant neoplasms; though no additional information regarding the patient or family history was provided (PMID: 31289210). This sequence change, p.Arg399His, is absent from the large population databases such as ExAC and gnomAD.

Literature cited by the submitters: PubMed 32693409 (cited by 3 submitters); PubMed 35586967 (cited by 4 submitters); PubMed 25581430 (cited by Labcorp Genetics (formerly Invitae), Labcorp and 3billion); PubMed 28555414 (cited by Mayo Clinic Laboratories, Mayo Clinic); PubMed 31248877 (cited by Mayo Clinic Laboratories, Mayo Clinic); PubMed 33415012 (cited by Mayo Clinic Laboratories, Mayo Clinic); PubMed 38572560 (cited by Mayo Clinic Laboratories, Mayo Clinic); PubMed 39160538 (cited by Mayo Clinic Laboratories, Mayo Clinic).

NM_001987.5(ETV6):c.1196G>A (p.Arg399His)

Gene: ETV6 (ETS variant transcription factor 6; plus strand). Cytogenetic location: 12p13.2.
Variant type: single nucleotide variant.
Coding change: c.1196G>A on transcript NM_001987.5 (MANE Select); coding-DNA position 1196, G replaced by A.
Protein change: p.Arg399His; replaces arginine 399 with histidine.
Molecular consequence: missense variant.
Genome position (GRCh38, 1-based): chr12:11,885,969, G>A. VCF-style: chr12-11885969-G-A. GRCh37 (hg19) VCF-style: chr12-12038903-G-A.
Other names: p.Arg399His; short protein forms R399H.
Identifiers: ClinVar variation 1175817 (VCV001175817.48), dbSNP rs2136602321, ClinGen allele CA384044899.
Genomic context (GRCh38, chr12:11,885,969, plus strand): 5'-CTCCTTTGAACAAACAGAACAGAACAAACATGACCTATGAGAAAATGTCCAGAGCCCTGC[G>A]CCACTACTACAAACTAAACATTATCAGGAAGGAGCCAGGACAAAGGCTTTTGTTCAGGTA-3'
Protein context (NP_001978.1, residues 389-409): MTYEKMSRAL[Arg399His]HYYKLNIIRK